The following is an entry in ClinVar:

NM_015922.3(NSDHL):c.976C>G (p.Pro326Ala)

Gene: NSDHL (NAD(P) dependent 3-beta-hydroxysteroid dehydrogenase NSDHL; plus strand). Cytogenetic location: Xq28.
Variant type: single nucleotide variant.
Coding change: c.976C>G on transcript NM_015922.3 (MANE Select); coding-DNA position 976, C replaced by G.
Protein change: p.Pro326Ala; replaces proline 326 with alanine.
Molecular consequence: missense variant.
Genome position (GRCh38, 1-based): chrX:152,868,970, C>G. VCF-style: chrX-152868970-C-G. GRCh37 (hg19) VCF-style: chrX-152037514-C-G.
Other names: c.976C>G, p.Pro326Ala (NM_001129765.2); short protein forms P326A.
Identifiers: ClinVar variation 2751717 (VCV002751717.3), dbSNP rs1556848517, ClinGen allele CA415287422.

ClinVar aggregate classification (germline): Uncertain significance (1 of 4 stars; one submission).

Submission:

Labcorp Genetics (formerly Invitae), Labcorp
Classification: Uncertain significance. Last evaluated: 2024-05-29. Review status: criteria provided, single submitter. Criteria: Invitae Variant Classification Sherloc (09022015). Collection method: clinical testing. Allele origin: germline.
Comment: This sequence change replaces proline, which is neutral and non-polar, with alanine, which is neutral and non-polar, at codon 326 of the NSDHL protein (p.Pro326Ala). This variant is not present in population databases (gnomAD no frequency). This variant has not been reported in the literature in individuals affected with NSDHL-related conditions. An algorithm developed to predict the effect of missense changes on protein structure and function (PolyPhen-2) suggests that this variant is likely to be disruptive. In summary, the available evidence is currently insufficient to determine the role of this variant in disease. Therefore, it has been classified as a Variant of Uncertain Significance.